The following is an entry in ClinVar:

ClinVar aggregate classification (germline): Uncertain significance (1 of 4 stars; one submission).

Conditions:
Developmental and epileptic encephalopathy. Identifiers: MedGen C5779964, MONDO:0100620.

Allele frequency attached by ClinVar (database versions not stated): gnomAD exomes 0.00001; ExAC 0.00006; 1000 Genomes Project 30x 0.00016; 1000 Genomes Project 0.00020; TOPMed below 0.00001; gnomAD 0.00001.
gnomAD v4.1: 12 of 1,602,422 alleles (0.00075%); highest among the groups gnomAD compares: Middle Eastern, 0.017%; no homozygotes.

Submission:

Labcorp Genetics (formerly Invitae), Labcorp
Classification: Uncertain significance for Early-infantile DEE. Last evaluated: 2023-11-27. Review status: criteria provided, single submitter. Criteria: Invitae Variant Classification Sherloc (09022015). Collection method: clinical testing. Allele origin: germline.
Comment: This sequence change replaces arginine, which is basic and polar, with glutamine, which is neutral and polar, at codon 86 of the CACNA2D2 protein (p.Arg86Gln). The frequency data for this variant in the population databases is considered unreliable, as metrics indicate poor data quality at this position in the gnomAD database. This variant has not been reported in the literature in individuals affected with CACNA2D2-related conditions. ClinVar contains an entry for this variant (Variation ID: 948434). An algorithm developed to predict the effect of missense changes on protein structure and function (PolyPhen-2) suggests that this variant¬†is likely to be tolerated. In summary, the available evidence is currently insufficient to determine the role of this variant in disease. Therefore, it has been classified as a Variant of Uncertain Significance.

NM_006030.4(CACNA2D2):c.257G>A (p.Arg86Gln)

Gene: CACNA2D2 (calcium voltage-gated channel auxiliary subunit alpha2delta 2; minus strand). Cytogenetic location: 3p21.31.
Variant type: single nucleotide variant.
Coding change: c.257G>A on transcript NM_006030.4 (MANE Select); coding-DNA position 257, G replaced by A.
Protein change: p.Arg86Gln; replaces arginine 86 with glutamine.
Molecular consequence: missense variant.
Genome position (GRCh38, 1-based): chr3:50,476,149, C>T on the plus strand (G>A on the coding strand, the complement: CACNA2D2 is on the minus strand). VCF-style: chr3-50476149-C-T. GRCh37 (hg19) VCF-style: chr3-50513580-C-T.
Other names: c.257G>A, p.Arg86Gln (NM_001005505.3, NM_001174051.3); c.50G>A, p.Arg17Gln (NM_001291101.1); short protein forms R17Q, R86Q.
Identifiers: ClinVar variation 948434 (VCV000948434.6), dbSNP rs543807415, ClinGen allele CA2419281.